The following is an entry in ClinVar:

NM_000218.3(KCNQ1):c.1210_1222del (p.Thr404fs)

Gene: KCNQ1 (potassium voltage-gated channel subfamily Q member 1; plus strand). Cytogenetic location: 11p15.5.
Variant type: Deletion.
Coding change: c.1210_1222del on transcript NM_000218.3 (MANE Select); coding-DNA positions 1210 to 1222, 13 bases deleted (ACTCTGCTGTCAC).
Protein change: p.Thr404fs; shifts the reading frame from threonine 404.
Molecular consequence: frameshift variant.
Genome position (GRCh38, 1-based): chr11:2,587,651-2,587,663, ACTCTGCTGTCAC deleted; deleting any 13 consecutive bases within chr11:2,587,648-2,587,663 gives the same sequence; the c. name uses the placement nearest the transcript's 3' end. VCF-style (leftmost placement, unchanged base first): chr11-2587647-CCACACTCTGCTGT-C. GRCh37 (hg19) VCF-style: chr11-2608877-CCACACTCTGCTGT-C.
Other names: c.1114_1126delACTCTGCTGTCAC, p.Thr372Profs (NM_001406836.1); c.940_952delACTCTGCTGTCAC, p.Thr314Profs (NM_001406837.1); c.670_682delACTCTGCTGTCAC, p.Thr224Profs (NM_001406838.1); c.829_841delACTCTGCTGTCAC, p.Thr277Profs (NM_181798.2); short protein forms T277fs, T404fs.
Identifiers: ClinVar variation 1445000 (VCV001445000.8), dbSNP rs2133758446, ClinGen allele CA2573146069.

ClinVar aggregate classification (germline): Pathogenic (1 of 4 stars; one submission).

Conditions:
Long QT syndrome (LQTS). Identifiers: MedGen C0023976, MeSH D008133, MONDO:0002442. Disease mechanism: loss of function. Inheritance: Various modes of inheritance.

Submission:

Labcorp Genetics (formerly Invitae), Labcorp
Classification: Pathogenic for Long QT syndrome. Last evaluated: 2021-03-31. Review status: criteria provided, single submitter. Criteria: Invitae Variant Classification Sherloc (09022015). Collection method: clinical testing. Allele origin: germline.
Comment: This variant has not been reported in the literature in individuals with KCNQ1-related conditions. This variant is not present in population databases (ExAC no frequency). This sequence change creates a premature translational stop signal (p.Thr404Profs*11) in the KCNQ1 gene. It is expected to result in an absent or disrupted protein product. Loss-of-function variants in KCNQ1 are known to be pathogenic (PMID: 9323054, 19862833). For these reasons, this variant has been classified as Pathogenic.

Literature cited by the submitters: PubMed 9323054; PubMed 19862833.